The following is an entry in ClinVar:

ClinVar aggregate classification (germline): Uncertain significance. Review status: criteria provided, multiple submitters, no conflicts (2 of 4 stars). 2 submissions from 2 submitters: Uncertain significance (2). Last evaluated 2026-07-02.

Conditions:
Ornithine carbamoyltransferase deficiency (OTCD). Also called: ORNITHINE TRANSCARBAMYLASE DEFICIENCY; ORNITHINE TRANSCARBAMYLASE DEFICIENCY, HYPERAMMONEMIA DUE TO; OTC DEFICIENCY; Ornithine Carbamoyltransferase Deficiency Disease. Identifiers: Orphanet 664, MedGen C0268542, MONDO:0010703, OMIM 311250.
Inborn genetic diseases. Identifiers: MedGen C0950123, MeSH D030342.

Submissions (2):

Ambry Genetics
Classification: Uncertain significance for Inborn genetic diseases. Last evaluated: 2026-07-02. Review status: criteria provided, single submitter. Criteria: Ambry Variant Classification Scheme 2023. Collection method: clinical testing. Allele origin: germline.
Comment: The p.L95F variant (also known as c.285G>T), located in coding exon 3 of the OTC gene, results from a G to T substitution at nucleotide position 285. The leucine at codon 95 is replaced by phenylalanine, an amino acid with highly similar properties. This amino acid position is conserved. In addition, the in silico prediction for this alteration is inconclusive. Based on the available evidence, the clinical significance of this variant remains unclear.

All of Us Research Program, National Institutes of Health
Classification: Uncertain significance for Ornithine carbamoyltransferase deficiency. Last evaluated: 2023-06-26. Review status: criteria provided, single submitter. Criteria: ACMG Guidelines, 2015. Collection method: clinical testing. Allele origin: germline. Inheritance: X-linked inheritance. Observed: 1 variant allele, 1 heterozygote.
Comment: This missense variant replaces leucine with phenylalanine at codon 95 of the OTC protein. Computational prediction is inconclusive regarding the impact of this variant on protein structure and function (internally defined REVEL score threshold 0.5 < inconclusive < 0.7, PMID: 27666373). To our knowledge, functional studies have not been reported for this variant. This variant has not been reported in individuals affected with OTC-related disorders in the literature. This variant has not been identified in the general population by the Genome Aggregation Database (gnomAD). The available evidence is insufficient to determine the role of this variant in disease conclusively. Therefore, this variant is classified as a Variant of Uncertain Significance.

This study involves interpretation of variants in research participants for the purpose of population health screening. Participant phenotype was not available at the time of variant classification. Additional details can be found in publication PMID: 35346344, PMCID: PMC8962531

NM_000531.6(OTC):c.285G>T (p.Leu95Phe)

Gene: OTC (ornithine transcarbamylase; plus strand). Cytogenetic location: Xp11.4.
Variant type: single nucleotide variant.
Coding change: c.285G>T on transcript NM_000531.6 (MANE Select); coding-DNA position 285, G replaced by T.
Protein change: p.Leu95Phe; replaces leucine 95 with phenylalanine.
Molecular consequence: missense variant.
Genome position (GRCh38, 1-based): chrX:38,369,864, G>T. VCF-style: chrX-38369864-G-T. GRCh37 (hg19) VCF-style: chrX-38229117-G-T.
Other names: c.285G>T, p.Leu95Phe (NM_001407092.1); c.285G>T (NM_000531.5); short protein forms L95F.
Identifiers: ClinVar variation 3071926 (VCV003071926.2), dbSNP rs2519952465, ClinGen allele CA412717019.